The following is an entry in ClinVar:

NM_000287.4(PEX6):c.1094del (p.Val365fs)

Gene: PEX6 (peroxisomal biogenesis factor 6; minus strand). Cytogenetic location: 6p21.1.
Variant type: Deletion.
Coding change: c.1094del on transcript NM_000287.4 (MANE Select); coding-DNA position 1094, one base deleted (T; older notation c.1094delT).
Protein change: p.Val365fs; shifts the reading frame from valine 365.
Molecular consequence: frameshift variant. On other transcripts: non-coding transcript variant (1).
Genome position (GRCh38, 1-based): chr6:42,974,039, A deleted on the plus strand (T on the coding strand, the reverse complement: PEX6 is on the minus strand). VCF-style (leftmost placement, unchanged base first): chr6-42974038-TA-T. GRCh37 (hg19) VCF-style: chr6-42941776-TA-T.
Other names: c.830del, p.Val277fs (NM_001316313.2); short protein forms V277fs, V365fs.
Identifiers: ClinVar variation 1724632 (VCV001724632.3), dbSNP rs2481251449, ClinGen allele CA2580074595.
Genomic context (GRCh38, chr6:42,974,038, plus strand): 5'-TGTAGGACAGAAGGCAGCTGCATACCTGGGCAGTTTCTCTGGACTTCCTTCCAGGATCTC[TA>T]CTTGCCCAATTGTTGGCACACATAGAACATCCCCTTCCTGGACTACCCTGCAACACAGCA-3'

ClinVar aggregate classification (germline): Likely pathogenic. Review status: criteria provided, multiple submitters, no conflicts (2 of 4 stars). 2 submissions from 2 submitters: Likely pathogenic (2). Last evaluated 2023-11-09.

Conditions:
Peroxisome biogenesis disorder 4A (Zellweger) (PBD4A). Also called: Zellweger syndrome spectrum (PEX6-related). Identifiers: Orphanet 912, MedGen C3553936, MONDO:0013930, OMIM 614862. Disease mechanism: loss of function.
Heimler syndrome 2 (HMLR2). Also called: PEROXISOME BIOGENESIS DISORDER 4C. Identifiers: Orphanet 3220, MedGen C4225267, OMIM 616617, MONDO:0014709.

Submissions (2):

Baylor Genetics
Classification: Likely pathogenic for Heimler syndrome 2. Last evaluated: 2023-11-09. Review status: criteria provided, single submitter. Criteria: ACMG Guidelines, 2015. Collection method: clinical testing. Allele origin: unknown.

Myriad Genetics, Inc.
Classification: Likely pathogenic for Peroxisome biogenesis disorder 4A (Zellweger). Last evaluated: 2022-02-24. Review status: criteria provided, single submitter. Criteria: Myriad Women's Health Autosomal Recessive and X-Linked Classification Criteria (2021). Collection method: clinical testing. Allele origin: unknown.
Comment: NM_000287.3(PEX6):c.1094delT(V365Efs*21) is expected to be pathogenic in the context of peroxisome biogenesis disorder type 4. This variant is predicted to lead to an abnormal or absent protein product due to the creation of a premature termination codon in PEX6, a gene where loss-of-function variants are known to be pathogenic. Please note: this variant was assessed in the context of healthy population screening.